The following is an entry in ClinVar:

ClinVar aggregate classification (germline): Uncertain significance (1 of 4 stars; one submission).

Conditions:
Ataxia-telangiectasia syndrome (AT). Also called: Ataxia-telangiectasia, complementation group D; AT, COMPLEMENTATION GROUP C; ATAXIA-TELANGIECTASIA, COMPLEMENTATION GROUP A; ATAXIA-TELANGIECTASIA, FRESNO VARIANT; Ataxia-telangiectasia; LOUIS-BAR SYNDROME. Identifiers: Orphanet 100, MedGen C0004135, MONDO:0008840, OMIM 208900.

Allele frequency attached by ClinVar (database versions not stated): gnomAD exomes below 0.00001.
gnomAD v4.1: 1 of 1,613,916 alleles (0.000062%); highest among the groups gnomAD compares: Non-Finnish European, 0.000085%; no homozygotes.

Submission:

Labcorp Genetics (formerly Invitae), Labcorp
Classification: Uncertain significance for Ataxia-telangiectasia syndrome. Last evaluated: 2022-05-04. Review status: criteria provided, single submitter. Criteria: Invitae Variant Classification Sherloc (09022015). Collection method: clinical testing. Allele origin: germline.
Comment: This sequence change replaces alanine, which is neutral and non-polar, with serine, which is neutral and polar, at codon 2798 of the ATM protein (p.Ala2798Ser). This variant is not present in population databases (gnomAD no frequency). In summary, the available evidence is currently insufficient to determine the role of this variant in disease. Therefore, it has been classified as a Variant of Uncertain Significance. Algorithms developed to predict the effect of missense changes on protein structure and function (SIFT, PolyPhen-2, Align-GVGD) all suggest that this variant is likely to be tolerated. ClinVar contains an entry for this variant (Variation ID: 641806). This variant has not been reported in the literature in individuals affected with ATM-related conditions.

NM_000051.4(ATM):c.8392G>T (p.Ala2798Ser)

Genes: ATM (ATM serine/threonine kinase; plus strand), C11orf65 (chromosome 11 open reading frame 65; minus strand). Cytogenetic location: 11q22.3.
Variant type: single nucleotide variant.
Coding change: c.8392G>T on transcript NM_000051.4 (MANE Select); coding-DNA position 8392, G replaced by T.
Protein change: p.Ala2798Ser; replaces alanine 2798 with serine.
Molecular consequence: missense variant. On other transcripts: intron variant (2).
Genome position (GRCh38, 1-based): chr11:108,343,345, G>T. VCF-style: chr11-108343345-G-T. GRCh37 (hg19) VCF-style: chr11-108214072-G-T.
Other names: c.8392G>T, p.Ala2798Ser (NM_001351834.2); c.641-34274C>A (NM_001330368.2); c.695-8053C>A (NM_001351110.2); short protein forms A2798S.
Identifiers: ClinVar variation 641806 (VCV000641806.9), dbSNP rs1591249178, ClinGen allele CA382516637.
Genomic context (GRCh38, chr11:108,343,345, plus strand): 5'-GAATTTCTTGTTAACAATGAAGATGGTGCTCATAAAAGATACAGGCCAAATGATTTCAGT[G>T]CCTTTCAGTGCCAAAAGAAAATGATGGTGAGTGACACCCAAAATTAAAGGTTATTGTAAG-3'
Protein context (NP_000042.3, residues 2788-2808): HKRYRPNDFS[Ala2798Ser]FQCQKKMMEV